The following is an entry in ClinVar:

NM_000095.3(COMP):c.390+5G>A

Gene: COMP (cartilage oligomeric matrix protein; minus strand). Cytogenetic location: 19p13.11.
Variant type: single nucleotide variant.
Coding change: c.390+5G>A on transcript NM_000095.3 (MANE Select); 5 bases into the intron after coding-DNA position 390, G replaced by A.
Molecular consequence: intron variant.
Genome position (GRCh38, 1-based): chr19:18,789,937, C>T on the plus strand (G>A on the coding strand, the complement: COMP is on the minus strand). VCF-style: chr19-18789937-C-T. GRCh37 (hg19) VCF-style: chr19-18900746-C-T.
Identifiers: ClinVar variation 1504739 (VCV001504739.6), dbSNP rs141422555, ClinGen allele CA9316752.

ClinVar aggregate classification (germline): Uncertain significance (1 of 4 stars; one submission).

Allele frequency attached by ClinVar (database versions not stated): gnomAD 0.00001 and 0.00002; 1000 Genomes Project 30x 0.00016.
gnomAD v4.1: 23 of 1,592,274 alleles (0.0014%); highest among the groups gnomAD compares: Non-Finnish European, 0.0018%; no homozygotes.

Submission:

Labcorp Genetics (formerly Invitae), Labcorp
Classification: Uncertain significance. Last evaluated: 2021-03-30. Review status: criteria provided, single submitter. Criteria: Invitae Variant Classification Sherloc (09022015). Collection method: clinical testing. Allele origin: germline.
Comment: In summary, the available evidence is currently insufficient to determine the role of this variant in disease. Therefore, it has been classified as a Variant of Uncertain Significance. Nucleotide substitutions within the consensus splice site are a relatively common cause of aberrant splicing (PMID: 17576681, 9536098). Algorithms developed to predict the effect of sequence changes on RNA splicing suggest that this variant may disrupt the consensus splice site, but this prediction has not been confirmed by published transcriptional studies. This variant has not been reported in the literature in individuals with COMP-related conditions. This variant is present in population databases (rs141422555, ExAC 0.002%). This sequence change falls in intron 4 of the COMP gene. It does not directly change the encoded amino acid sequence of the COMP protein. It affects a nucleotide within the consensus splice site of the intron.

Literature cited by the submitters: PubMed 17576681; PubMed 9536098.